The following is an entry in ClinVar:

ClinVar aggregate classification (germline): Benign/Likely benign. Review status: criteria provided, multiple submitters, no conflicts (2 of 4 stars). 13 submissions from 13 submitters: Benign (10); Likely benign (1). 2 of the submissions do not count toward it. Last evaluated 2026-01-31.

Conditions:
Familial thoracic aortic aneurysm and aortic dissection (TAAD). Also called: Thoracic aortic aneurysms and dissections. Identifiers: Orphanet 91387, MedGen C4707243, MONDO:0019625.
Aortic aneurysm, familial thoracic 7 (AAT7). Also called: AORTIC DISSECTION, FAMILIAL, WITH OR WITHOUT AORTIC ANEURYSM. Identifiers: MedGen C3151077, MONDO:0013418, OMIM 613780.
Megacystis-microcolon-intestinal hypoperistalsis syndrome 1. Identifiers: MedGen C5542316, MONDO:0100354, OMIM 249210.

Allele frequency attached by ClinVar (database versions not stated): gnomAD exomes 0.00077 and 0.00171; ExAC 0.00202; 1000 Genomes Project 30x 0.00468; 1000 Genomes Project 0.00479; gnomAD 0.00539 and 0.00575; TOPMed 0.00603; ESP Exome Variant Server 0.00677.
gnomAD v4.1: 2,007 of 1,614,210 alleles (0.12%); highest among the groups gnomAD compares: African/African-American, 1.7%; 17 homozygotes.

Submissions (13):

Labcorp Genetics (formerly Invitae), Labcorp
Classification: Benign for Aortic aneurysm, familial thoracic 7. Last evaluated: 2026-01-31. Review status: criteria provided, single submitter. Criteria: Invitae Variant Classification Sherloc (09022015). Collection method: clinical testing. Allele origin: germline.

Molecular Diagnostic Laboratory for Inherited Cardiovascular Disease, Montreal Heart Institute
Classification: Benign. Last evaluated: 2025-04-09. Review status: criteria provided, single submitter. Criteria: ACMG Guidelines, 2015. Collection method: clinical testing. Allele origin: germline. Affected: no.
Comment: BS1;BP6;BP7

Blueprint Genetics
Classification: Likely benign. Last evaluated: 2024-11-20. Review status: criteria provided, single submitter. Criteria: ACMG Guidelines, 2015. Collection method: clinical testing. Allele origin: germline.

ARUP Laboratories, Molecular Genetics and Genomics, ARUP Laboratories
Classification: Benign. Last evaluated: 2023-08-07. Review status: criteria provided, single submitter. Criteria: ARUP Molecular Germline Variant Investigation Process 2024. Collection method: clinical testing. Allele origin: germline.

Fulgent Genetics
Classification: Benign for Megacystis-microcolon-intestinal hypoperistalsis syndrome 1; Aortic aneurysm, familial thoracic 7. Last evaluated: 2021-09-13. Review status: criteria provided, single submitter. Criteria: ACMG Guidelines, 2015. Collection method: clinical testing. Allele origin: unknown.

Women's Health and Genetics/Laboratory Corporation of America, LabCorp
Classification: Benign. Last evaluated: 2019-12-14. Review status: criteria provided, single submitter. Criteria: LabCorp Variant Classification Summary - May 2015. Collection method: clinical testing. Allele origin: germline.

Illumina Laboratory Services, Illumina
Classification: Benign for Aortic aneurysm, familial thoracic 7. Last evaluated: 2017-04-27. Review status: criteria provided, single submitter. Criteria: ICSL Variant Classification Criteria 13 December 2019. Collection method: clinical testing. Allele origin: germline.
Comment: This variant was observed as part of a predisposition screen in an ostensibly healthy population. A literature search was performed for the gene, cDNA change, and amino acid change (where applicable). Publications were found based on this search. The evidence from the literature, in combination with allele frequency data from public databases where available, was sufficient to rule this variant out of causing disease. Therefore, this variant is classified as benign.

GeneDx
Classification: Benign. Last evaluated: 2017-01-05. Review status: criteria provided, single submitter. Criteria: GeneDx Variant Classification (06012015). Collection method: clinical testing. Allele origin: germline. Affected: yes.
Comment: This variant is considered likely benign or benign based on one or more of the following criteria: it is a conservative change, it occurs at a poorly conserved position in the protein, it is predicted to be benign by multiple in silico algorithms, and/or has population frequency not consistent with disease.

Ambry Genetics
Classification: Benign for Familial thoracic aortic aneurysm and aortic dissection. Last evaluated: 2016-01-12. Review status: criteria provided, single submitter. Criteria: Ambry Variant Classification Scheme 2023. Collection method: clinical testing. Allele origin: germline.

Laboratory for Molecular Medicine, Mass General Brigham Personalized Medicine
Classification: Benign. Last evaluated: 2013-04-04. Review status: criteria provided, single submitter. Criteria: LMM Criteria. Collection method: clinical testing. Allele origin: germline. Observed: 1 variant allele.
Comment: Lys1693Lys in exon 30 of MYLK: This variant is not expected to have clinical sig nificance because it does not alter an amino acid residue and is not located wit hin the splice consensus sequence. It has been identified in 1.9% (83/4406) of A frican American chromosomes from a broad population by the NHLBI Exome Sequencin g Project (dbSNP rs141467675).

Breakthrough Genomics
Classification: Benign. Review status: criteria provided, single submitter. Criteria: ACMG Guidelines, 2015. Collection method: not provided. Allele origin: germline. Inheritance: Autosomal recessive inheritance. Affected: yes.

Clinical Genetics DNA and cytogenetics Diagnostics Lab, Erasmus MC, Erasmus Medical Center
Classification: Benign. Review status: no assertion criteria provided. Collection method: clinical testing. Allele origin: germline. Affected: yes. Study: VKGL Data-share Consensus. Not counted in ClinVar's aggregate classification.

Genome Diagnostics Laboratory, Amsterdam University Medical Center
Classification: Benign. Review status: no assertion criteria provided. Collection method: clinical testing. Allele origin: germline. Affected: yes. Study: VKGL Data-share Consensus. Not counted in ClinVar's aggregate classification.

Literature cited by the submitters: PubMed 26017485 (cited by Illumina Laboratory Services, Illumina).

NM_053025.4(MYLK):c.5079G>A (p.Lys1693=)

Genes: MYLK (myosin light chain kinase; minus strand), MYLK-AS1 (MYLK antisense RNA 1; plus strand), LOC126806791 (MED14-independent group 3 enhancer GRCh37_chr3:123347871-123349070; plus strand). Cytogenetic location: 3q21.1.
Variant type: single nucleotide variant.
Coding change: c.5079G>A on transcript NM_053025.4 (MANE Select); coding-DNA position 5079, G replaced by A.
Protein change: p.Lys1693=; no amino-acid change (lysine 1693 retained).
Molecular consequence: synonymous variant. On other transcripts: non-coding transcript variant (2), intron variant (2).
Genome position (GRCh38, 1-based): chr3:123,629,509, C>T on the plus strand (G>A on the coding strand, the complement: MYLK is on the minus strand). VCF-style: chr3-123629509-C-T. GRCh37 (hg19) VCF-style: chr3-123348356-C-T.
Other names: c.4551G>A, p.Lys1517= (NM_001321309.2); c.4872G>A, p.Lys1624= (NM_053026.4); c.4755-2568G>A (NM_053028.4); c.4962-2568G>A (NM_053027.4).
Identifiers: ClinVar variation 226772 (VCV000226772.39), dbSNP rs141467675, ClinGen allele CA072478.